The following is an entry in ClinVar:

NM_001025603.2(RFX5):c.1715G>A (p.Arg572Lys)

Gene: RFX5 (regulatory factor X5; minus strand). Cytogenetic location: 1q21.3.
Variant type: single nucleotide variant.
Coding change: c.1715G>A on transcript NM_001025603.2 (MANE Select); coding-DNA position 1715, G replaced by A.
Protein change: p.Arg572Lys; replaces arginine 572 with lysine.
Molecular consequence: missense variant.
Genome position (GRCh38, 1-based): chr1:151,342,322, C>T on the plus strand (G>A on the coding strand, the complement: RFX5 is on the minus strand). VCF-style: chr1-151342322-C-T. GRCh37 (hg19) VCF-style: chr1-151314798-C-T.
Other names: c.1715G>A, p.Arg572Lys (NM_000449.4, NM_001379412.1, NM_001379413.1 and 5 more transcripts); c.1595G>A, p.Arg532Lys (NM_001379419.1, NM_001379420.1); short protein forms R572K, R532K.
Identifiers: ClinVar variation 2127385 (VCV002127385.1), dbSNP rs1378555427, ClinGen allele CA341923967.

ClinVar aggregate classification (germline): Uncertain significance (1 of 4 stars; one submission).

Conditions:
MHC class II deficiency. Also called: Bare lymphocyte syndrome 2; BLS, TYPE II. Identifiers: Orphanet 572, MedGen C5447452, MONDO:0008855.

Allele frequency attached by ClinVar (database versions not stated): TOPMed below 0.00001; gnomAD 0.00001; gnomAD exomes 0.00001.
gnomAD v4.1: 18 of 1,614,072 alleles (0.0011%); highest among the groups gnomAD compares: Non-Finnish European, 0.0015%; no homozygotes.

Submission:

Labcorp Genetics (formerly Invitae), Labcorp
Classification: Uncertain significance for MHC class II deficiency. Last evaluated: 2022-08-21. Review status: criteria provided, single submitter. Criteria: Invitae Variant Classification Sherloc (09022015). Collection method: clinical testing. Allele origin: germline.
Comment: This sequence change replaces arginine, which is basic and polar, with lysine, which is basic and polar, at codon 572 of the RFX5 protein (p.Arg572Lys). This variant is present in population databases (no rsID available, gnomAD 0.0009%). This variant has not been reported in the literature in individuals affected with RFX5-related conditions. Algorithms developed to predict the effect of missense changes on protein structure and function output the following: SIFT: "Tolerated"; PolyPhen-2: "Benign"; Align-GVGD: "Class C0". The lysine amino acid residue is found in multiple mammalian species, which suggests that this missense change does not adversely affect protein function. In summary, the available evidence is currently insufficient to determine the role of this variant in disease. Therefore, it has been classified as a Variant of Uncertain Significance.